The following is an entry in ClinVar:

NM_024301.5(FKRP):c.101C>T (p.Ser34Phe)

Gene: FKRP (fukutin related protein; plus strand). Cytogenetic location: 19q13.32.
Variant type: single nucleotide variant.
Coding change: c.101C>T on transcript NM_024301.5 (MANE Select); coding-DNA position 101, C replaced by T.
Protein change: p.Ser34Phe; replaces serine 34 with phenylalanine.
Molecular consequence: missense variant.
Genome position (GRCh38, 1-based): chr19:46,755,551, C>T. VCF-style: chr19-46755551-C-T. GRCh37 (hg19) VCF-style: chr19-47258808-C-T.
Other names: c.101C>T, p.Ser34Phe (NM_001039885.3); c.101C>T (NM_024301.4); short protein forms S34F.
Identifiers: ClinVar variation 1435193 (VCV001435193.5), dbSNP rs1453156955, ClinGen allele CA406494673.

ClinVar aggregate classification (germline): Uncertain significance. Review status: criteria provided, multiple submitters, no conflicts (2 of 4 stars). 2 submissions from 2 submitters: Uncertain significance (2). Last evaluated 2025-10-20.

Conditions:
Cardiovascular phenotype. Identifiers: MedGen CN230736.
Walker-Warburg congenital muscular dystrophy. Also called: Muscular dystrophy-dystroglycanopathy, type A; Walker-Warburg syndrome. Identifiers: Orphanet 899, MedGen C0265221, MONDO:0000171.

Allele frequency attached by ClinVar (database versions not stated): gnomAD exomes 0.00002.

Submissions (2):

Labcorp Genetics (formerly Invitae), Labcorp
Classification: Uncertain significance for Walker-Warburg congenital muscular dystrophy. Last evaluated: 2025-10-20. Review status: criteria provided, single submitter. Criteria: Invitae Variant Classification Sherloc (09022015). Collection method: clinical testing. Allele origin: germline.
Comment: This sequence change replaces serine, which is neutral and polar, with phenylalanine, which is neutral and non-polar, at codon 34 of the FKRP protein (p.Ser34Phe). This variant is present in population databases (no rsID available, gnomAD 0.007%). This variant has not been reported in the literature in individuals affected with FKRP-related conditions. ClinVar contains an entry for this variant (Variation ID: 1435193). An algorithm developed to predict the effect of missense changes on protein structure and function outputs the following: PolyPhen-2: "Benign". The phenylalanine amino acid residue is found in multiple mammalian species, which suggests that this missense change does not adversely affect protein function. In summary, the available evidence is currently insufficient to determine the role of this variant in disease. Therefore, it has been classified as a Variant of Uncertain Significance.

Ambry Genetics
Classification: Uncertain significance for Cardiovascular phenotype. Last evaluated: 2024-12-06. Review status: criteria provided, single submitter. Criteria: Ambry Variant Classification Scheme 2023. Collection method: clinical testing. Allele origin: germline.
Comment: The p.S34F variant (also known as c.101C>T), located in coding exon 1 of the FKRP gene, results from a C to T substitution at nucleotide position 101. The serine at codon 34 is replaced by phenylalanine, an amino acid with highly dissimilar properties. This amino acid position is not well conserved in available vertebrate species. In addition, this alteration is predicted to be tolerated by in silico analysis. Based on the available evidence, the clinical significance of this variant remains unclear.